The following is an entry in ClinVar:

NM_000179.3(MSH6):c.3394G>T (p.Val1132Phe)

Gene: MSH6 (mutS homolog 6; plus strand). Cytogenetic location: 2p16.3.
Variant type: single nucleotide variant.
Coding change: c.3394G>T on transcript NM_000179.3 (MANE Select); coding-DNA position 3394, G replaced by T.
Protein change: p.Val1132Phe; replaces valine 1132 with phenylalanine.
Molecular consequence: missense variant.
Genome position (GRCh38, 1-based): chr2:47,803,641, G>T. VCF-style: chr2-47803641-G-T. GRCh37 (hg19) VCF-style: chr2-48030780-G-T.
Other names: c.3004G>T, p.Val1002Phe (NM_001281492.2); c.2488G>T, p.Val830Phe (NM_001281493.2, NM_001281494.2); short protein forms V1002F, V1132F, V830F.
Identifiers: ClinVar variation 950452 (VCV000950452.10), dbSNP rs781676597, ClinGen allele CA346758857.

ClinVar aggregate classification (germline): Uncertain significance (1 of 4 stars; one submission).

Conditions:
Hereditary nonpolyposis colorectal neoplasms. Identifiers: MedGen C0009405, MeSH D003123.

Submission:

Labcorp Genetics (formerly Invitae), Labcorp
Classification: Uncertain significance for Hereditary nonpolyposis colorectal neoplasms. Last evaluated: 2019-06-18. Review status: criteria provided, single submitter. Criteria: Invitae Variant Classification Sherloc (09022015). Collection method: clinical testing. Allele origin: germline.
Comment: In summary, the available evidence is currently insufficient to determine the role of this variant in disease. Therefore, it has been classified as a Variant of Uncertain Significance. Algorithms developed to predict the effect of missense changes on protein structure and function are either unavailable or do not agree on the potential impact of this missense change (SIFT: "Deleterious"; PolyPhen-2: "Probably Damaging"; Align-GVGD: "Class C0"). This variant has not been reported in the literature in individuals with MSH6-related conditions. This variant is not present in population databases (ExAC no frequency). This sequence change replaces valine with phenylalanine at codon 1132 of the MSH6 protein (p.Val1132Phe). The valine residue is highly conserved and there is a small physicochemical difference between valine and phenylalanine.